The following is an entry in ClinVar:

ClinVar aggregate classification (germline): Likely pathogenic (1 of 4 stars; one submission).

Conditions:
Short-rib thoracic dysplasia 14 with polydactyly (SRTD14). Identifiers: Orphanet 397715, MedGen C4225286, MONDO:0014688, OMIM 616546.
Joubert syndrome 23 (JBTS23). Identifiers: Orphanet 475, MedGen C4084822, MONDO:0014664, OMIM 616490.

Allele frequency attached by ClinVar (database versions not stated): gnomAD 0.00001; gnomAD exomes 0.00003.
gnomAD v4.1: 6 of 301,282 alleles (0.002%); highest among the groups gnomAD compares: Non-Finnish European, 0.004%; no homozygotes.

Submission:

Labcorp Genetics (formerly Invitae), Labcorp
Classification: Likely pathogenic for Joubert syndrome 23; Short-rib thoracic dysplasia 14 with polydactyly. Last evaluated: 2025-02-04. Review status: criteria provided, single submitter. Criteria: Invitae Variant Classification Sherloc (09022015). Collection method: clinical testing. Allele origin: germline.
Comment: This sequence change affects an acceptor splice site in intron 5 of the KIAA0586 gene. It is expected to disrupt RNA splicing. Variants that disrupt the donor or acceptor splice site typically lead to a loss of protein function (PMID: 16199547), and loss-of-function variants in KIAA0586 are known to be pathogenic (PMID: 26096313, 26166481, 26386044). The frequency data for this variant in the population databases is considered unreliable, as metrics indicate poor data quality at this position in the gnomAD database. This variant has not been reported in the literature in individuals affected with KIAA0586-related conditions. ClinVar contains an entry for this variant (Variation ID: 1524270). In summary, the currently available evidence indicates that the variant is pathogenic, but additional data are needed to prove that conclusively. Therefore, this variant has been classified as Likely Pathogenic.

Literature cited by the submitters: PubMed 16199547; PubMed 26096313; PubMed 26166481; PubMed 26386044.

NM_001329943.3(KIAA0586):c.411-1486G>A

Gene: KIAA0586 (KIAA0586; plus strand). Cytogenetic location: 14q23.1.
Variant type: single nucleotide variant.
Coding change: c.411-1486G>A on transcript NM_001329943.3 (MANE Select); 1486 bases into the intron before coding-DNA position 411, G replaced by A.
Molecular consequence: intron variant. On other transcripts: splice acceptor variant (2).
Genome position (GRCh38, 1-based): chr14:58,441,220, G>A. VCF-style: chr14-58441220-G-A. GRCh37 (hg19) VCF-style: chr14-58907938-G-A.
Other names: c.447-1G>A (NM_001244189.2); c.366-1486G>A (NM_001244190.2); c.156-1G>A (NM_001244192.2); c.156-1486G>A (NM_001244191.2, NM_001364701.2, NM_001329945.2 and 1 more transcripts); c.411-1486G>A (NM_001329944.2, NM_001329946.2, NM_001329947.2 and 1 more transcripts); c.-11+1440G>A (NM_001244193.2).
Identifiers: ClinVar variation 1524270 (VCV001524270.6), dbSNP rs982449380, ClinGen allele CA261610313.